The following is an entry in ClinVar:

ClinVar aggregate classification (germline): Uncertain significance. Review status: criteria provided, multiple submitters, no conflicts (2 of 4 stars). 3 submissions from 2 submitters: Uncertain significance (3). Last evaluated 2025-10-26.

Conditions:
Fibrochondrogenesis 1 (FBCG1). Identifiers: Orphanet 2021, MedGen C3278138, MONDO:0009226, OMIM 228520.
Stickler syndrome type 2 (STL2). Also called: COL11A1-Related Stickler Syndrome; STICKLER SYNDROME, TYPE II; STICKLER SYNDROME, BEADED VITREOUS TYPE; STICKLER SYNDROME, VITREOUS TYPE 2. Identifiers: Orphanet 828, Orphanet 90654, MedGen C1858084, MONDO:0011493, OMIM 604841.

Allele frequency attached by ClinVar (database versions not stated): gnomAD exomes below 0.00001.
gnomAD v4.1: 1 of 1,613,756 alleles (0.000062%); highest among the groups gnomAD compares: Non-Finnish European, 0.000085%; no homozygotes.

Submissions (3):

Labcorp Genetics (formerly Invitae), Labcorp
Classification: Uncertain significance. Last evaluated: 2025-10-26. Review status: criteria provided, single submitter. Criteria: Invitae Variant Classification Sherloc (09022015). Collection method: clinical testing. Allele origin: germline.
Comment: This sequence change replaces aspartic acid, which is acidic and polar, with asparagine, which is neutral and polar, at codon 1142 of the COL11A1 protein (p.Asp1142Asn). This variant is present in population databases (no rsID available, gnomAD 0.0009%). This variant has not been reported in the literature in individuals affected with COL11A1-related conditions. ClinVar contains an entry for this variant (Variation ID: 876729). Invitae Evidence Modeling of protein sequence and biophysical properties (such as structural, functional, and spatial information, amino acid conservation, physicochemical variation, residue mobility, and thermodynamic stability) indicates that this missense variant is not expected to disrupt COL11A1 protein function with a negative predictive value of 80%. In summary, the available evidence is currently insufficient to determine the role of this variant in disease. Therefore, it has been classified as a Variant of Uncertain Significance.

Illumina Laboratory Services, Illumina
Classification: Uncertain significance for Fibrochondrogenesis 1. Last evaluated: 2018-01-12. Review status: criteria provided, single submitter. Criteria: ICSL Variant Classification Criteria 13 December 2019. Collection method: clinical testing. Allele origin: germline.

Illumina Laboratory Services, Illumina
Classification: Uncertain significance for Stickler syndrome type 2. Last evaluated: 2018-01-12. Review status: criteria provided, single submitter. Criteria: ICSL Variant Classification Criteria 13 December 2019. Collection method: clinical testing. Allele origin: germline.

NM_001854.4(COL11A1):c.3424G>A (p.Asp1142Asn)

Gene: COL11A1 (collagen type XI alpha 1 chain; minus strand). Cytogenetic location: 1p21.1.
Variant type: single nucleotide variant.
Coding change: c.3424G>A on transcript NM_001854.4 (MANE Select); coding-DNA position 3424, G replaced by A.
Protein change: p.Asp1142Asn; replaces aspartic acid 1142 with asparagine.
Molecular consequence: missense variant. On other transcripts: non-coding transcript variant (1).
Genome position (GRCh38, 1-based): chr1:102,939,049, C>T on the plus strand (G>A on the coding strand, the complement: COL11A1 is on the minus strand). VCF-style: chr1-102939049-C-T. GRCh37 (hg19) VCF-style: chr1-103404605-C-T.
Other names: c.3307G>A, p.Asp1103Asn (NM_001190709.2); c.3460G>A, p.Asp1154Asn (NM_080629.3); c.3076G>A, p.Asp1026Asn (NM_080630.4); short protein forms D1026N, D1103N, D1142N, D1154N.
Identifiers: ClinVar variation 876729 (VCV000876729.5), dbSNP rs1364963653, ClinGen allele CA341169146.